The following is an entry in ClinVar:

NM_001164508.2(NEB):c.2136T>G (p.Asp712Glu)

Gene: NEB (nebulin; minus strand). Cytogenetic location: 2q23.3.
Variant type: single nucleotide variant.
Coding change: c.2136T>G on transcript NM_001164508.2 (MANE Select); coding-DNA position 2136, T replaced by G.
Protein change: p.Asp712Glu; replaces aspartic acid 712 with glutamic acid.
Molecular consequence: missense variant.
Genome position (GRCh38, 1-based): chr2:151,691,939, A>C on the plus strand (T>G on the coding strand, the complement: NEB is on the minus strand). VCF-style: chr2-151691939-A-C. GRCh37 (hg19) VCF-style: chr2-152548453-A-C.
Other names: c.2136T>G, p.Asp712Glu (NM_001164507.2, NM_001271208.2, NM_004543.5); c.2136T>G (NM_004543.4); short protein forms D712E.
Identifiers: ClinVar variation 1058172 (VCV001058172.8), dbSNP rs1359338282, ClinGen allele CA348823695.

ClinVar aggregate classification (germline): Uncertain significance. Review status: criteria provided, multiple submitters, no conflicts (2 of 4 stars). 3 submissions from 3 submitters: Uncertain significance (2). 1 of the submissions does not count toward it. Last evaluated 2023-06-21.

Conditions:
Inborn genetic diseases. Identifiers: MedGen C0950123, MeSH D030342.
Nemaline myopathy 2 (NEM2). Also called: Nemaline myopathy 2, autosomal recessive. Identifiers: MedGen C1850569, MONDO:0009725, OMIM 256030.

Allele frequency attached by ClinVar (database versions not stated): gnomAD exomes below 0.00001; TOPMed 0.00001.
gnomAD v4.1: 7 of 1,610,572 alleles (0.00043%); highest among the groups gnomAD compares: Middle Eastern, 0.017%; no homozygotes.

Submissions (3):

Ambry Genetics
Classification: Uncertain significance for Inborn genetic diseases. Last evaluated: 2023-06-21. Review status: criteria provided, single submitter. Criteria: Ambry Variant Classification Scheme 2023. Collection method: clinical testing. Allele origin: germline.

Labcorp Genetics (formerly Invitae), Labcorp
Classification: Uncertain significance for Nemaline myopathy 2. Last evaluated: 2022-07-19. Review status: criteria provided, single submitter. Criteria: Invitae Variant Classification Sherloc (09022015). Collection method: clinical testing. Allele origin: germline.
Comment: This sequence change replaces aspartic acid, which is acidic and polar, with glutamic acid, which is acidic and polar, at codon 712 of the NEB protein (p.Asp712Glu). This variant is present in population databases (no rsID available, gnomAD 0.003%). This variant has not been reported in the literature in individuals affected with NEB-related conditions. ClinVar contains an entry for this variant (Variation ID: 1058172). Algorithms developed to predict the effect of missense changes on protein structure and function are either unavailable or do not agree on the potential impact of this missense change (SIFT: "Deleterious"; PolyPhen-2: "Not Available"; Align-GVGD: "Class C0"). In summary, the available evidence is currently insufficient to determine the role of this variant in disease. Therefore, it has been classified as a Variant of Uncertain Significance.

Natera, Inc.
Classification: Uncertain significance for Nemaline myopathy type 2. Last evaluated: 2020-02-26. Review status: no assertion criteria provided. Collection method: clinical testing. Allele origin: germline. Not counted in ClinVar's aggregate classification.